The following is an entry in ClinVar:

NM_015459.5(ATL3):c.850+3del

Genes: ATL3 (atlastin GTPase 3; minus strand), LNCROPM (lncRNA regulator of PLAAT3 mediated phospholipid metabolism; plus strand). Cytogenetic location: 11q13.1.
Variant type: Deletion.
Coding change: c.850+3del on transcript NM_015459.5 (MANE Select); 3 bases into the intron after coding-DNA position 850, one base deleted (G; older notation c.850+3delG).
Molecular consequence: intron variant.
Genome position (GRCh38, 1-based): chr11:63,643,354, C deleted on the plus strand (G on the coding strand, the reverse complement: ATL3 is on the minus strand). VCF-style (leftmost placement, unchanged base first): chr11-63643353-AC-A. GRCh37 (hg19) VCF-style: chr11-63410825-AC-A.
Other names: c.796+3del (NM_001290048.2).
Identifiers: ClinVar variation 566401 (VCV000566401.7), dbSNP rs1565274252, ClinGen allele CA891842499.

ClinVar aggregate classification (germline): Uncertain significance (1 of 4 stars; one submission).

Conditions:
Neuropathy, hereditary sensory, type 1F. Also called: Hereditary sensory neuropathy type IF; HSN IF. Identifiers: Orphanet 36386, MedGen C3810194, MONDO:0014286, OMIM 615632.

Submission:

Labcorp Genetics (formerly Invitae), Labcorp
Classification: Uncertain significance for Neuropathy, hereditary sensory, type 1F. Last evaluated: 2018-05-03. Review status: criteria provided, single submitter. Criteria: Invitae Variant Classification Sherloc (09022015). Collection method: clinical testing. Allele origin: germline.
Comment: In summary, the available evidence is currently insufficient to determine the role of this variant in disease. Therefore, it has been classified as a Variant of Uncertain Significance. Nucleotide substitutions within the consensus splice site are a relatively common cause of aberrant splicing (PMID: 17576681, 9536098). Algorithms developed to predict the effect of sequence changes on RNA splicing suggest that this variant may disrupt the consensus splice site, but this prediction has not been confirmed by published transcriptional studies. This variant has not been reported in the literature in individuals with ATL3-related disease. This variant is not present in population databases (ExAC no frequency). This sequence change falls in intron 8 of the ATL3 gene. It does not directly change the encoded amino acid sequence of the ATL3 protein, but it affects a nucleotide within the consensus splice site of the intron.

Literature cited by the submitters: PubMed 17576681; PubMed 9536098.